The following is an entry in ClinVar:

NM_005909.5(MAP1B):c.7351A>G (p.Ser2451Gly)

Gene: MAP1B (microtubule associated protein 1B; plus strand). Cytogenetic location: 5q13.2.
Variant type: single nucleotide variant.
Coding change: c.7351A>G on transcript NM_005909.5 (MANE Select); coding-DNA position 7351, A replaced by G.
Protein change: p.Ser2451Gly; replaces serine 2451 with glycine.
Molecular consequence: missense variant.
Genome position (GRCh38, 1-based): chr5:72,205,183, A>G. VCF-style: chr5-72205183-A-G. GRCh37 (hg19) VCF-style: chr5-71501010-A-G.
Other names: c.6973A>G, p.Ser2325Gly (NM_001324255.2); short protein forms S2325G, S2451G.
Identifiers: ClinVar variation 1693370 (VCV001693370.2), dbSNP rs1406425042, ClinGen allele CA359980978.

ClinVar aggregate classification (germline): Uncertain significance (1 of 4 stars; one submission).

Submission:

GeneDx
Classification: Uncertain significance. Last evaluated: 2022-01-04. Review status: criteria provided, single submitter. Criteria: GeneDx Variant Classification Process June 2021. Collection method: clinical testing. Allele origin: germline. Affected: yes.
Comment: Not observed at significant frequency in large population cohorts (gnomAD); In silico analysis supports that this missense variant has a deleterious effect on protein structure/function; Has not been previously published as pathogenic or benign to our knowledge